The following is an entry in ClinVar:

NM_001127217.3(SMAD9):c.743C>A (p.Thr248Lys)

Gene: SMAD9 (SMAD family member 9; minus strand). Cytogenetic location: 13q13.3.
Variant type: single nucleotide variant.
Coding change: c.743C>A on transcript NM_001127217.3 (MANE Select); coding-DNA position 743, C replaced by A.
Protein change: p.Thr248Lys; replaces threonine 248 with lysine.
Molecular consequence: missense variant. On other transcripts: intron variant (2).
Genome position (GRCh38, 1-based): chr13:36,867,311, G>T on the plus strand (C>A on the coding strand, the complement: SMAD9 is on the minus strand). VCF-style: chr13-36867311-G-T. GRCh37 (hg19) VCF-style: chr13-37441448-G-T.
Other names: c.671-1553C>A (NM_005905.6, NM_001378621.1); short protein forms T248K.
Identifiers: ClinVar variation 311902 (VCV000311902.26), dbSNP rs79733377, ClinGen allele CA6950483.

ClinVar aggregate classification (germline): Benign. Review status: criteria provided, multiple submitters, no conflicts (2 of 4 stars). 4 submissions from 4 submitters: Benign (4). Last evaluated 2026-01-26.

Conditions:
Pulmonary hypertension, primary, 2. Identifiers: Orphanet 422, MedGen C3888002, MONDO:0014134, OMIM 615342.

Allele frequency attached by ClinVar (database versions not stated): ESP Exome Variant Server 0.00066; ExAC 0.00147; gnomAD 0.00693 and 0.00708; 1000 Genomes Project 0.00859; 1000 Genomes Project 30x 0.01077; TOPMed 0.01232; gnomAD exomes 0.01539.
gnomAD v4.1: 4,888 of 1,551,172 alleles (0.32%); highest among the groups gnomAD compares: Admixed American, 8%; 225 homozygotes.

Submissions (4):

Labcorp Genetics (formerly Invitae), Labcorp
Classification: Benign for Pulmonary hypertension, primary, 2. Last evaluated: 2026-01-26. Review status: criteria provided, single submitter. Criteria: Invitae Variant Classification Sherloc (09022015). Collection method: clinical testing. Allele origin: germline.

ARUP Laboratories, Molecular Genetics and Genomics, ARUP Laboratories
Classification: Benign for Pulmonary hypertension, primary, 2. Last evaluated: 2024-12-18. Review status: criteria provided, single submitter. Criteria: ARUP Molecular Germline Variant Investigation Process 2024. Collection method: clinical testing. Allele origin: germline.

GeneDx
Classification: Benign. Last evaluated: 2016-09-07. Review status: criteria provided, single submitter. Criteria: GeneDx Variant Classification (06012015). Collection method: clinical testing. Allele origin: germline. Affected: yes.
Comment: This variant is considered likely benign or benign based on one or more of the following criteria: it is a conservative change, it occurs at a poorly conserved position in the protein, it is predicted to be benign by multiple in silico algorithms, and/or has population frequency not consistent with disease.

Breakthrough Genomics
Classification: Benign. Review status: criteria provided, single submitter. Criteria: ACMG Guidelines, 2015. Collection method: not provided. Allele origin: germline. Inheritance: Autosomal dominant inheritance. Affected: yes.